The following is an entry in ClinVar:

NM_004453.4(ETFDH):c.891G>A (p.Trp297Ter)

Gene: ETFDH (electron transfer flavoprotein dehydrogenase; plus strand). Cytogenetic location: 4q32.1.
Variant type: single nucleotide variant.
Coding change: c.891G>A on transcript NM_004453.4 (MANE Select); coding-DNA position 891, G replaced by A.
Protein change: p.Trp297Ter; replaces tryptophan 297 with a stop codon.
Molecular consequence: nonsense.
Genome position (GRCh38, 1-based): chr4:158,697,618, G>A. VCF-style: chr4-158697618-G-A. GRCh37 (hg19) VCF-style: chr4-159618770-G-A.
Other names: c.750G>A, p.Trp250Ter (NM_001281737.2); c.708G>A, p.Trp236Ter (NM_001281738.1); short protein forms W236*, W250*, W297*.
Identifiers: ClinVar variation 3392498 (VCV003392498.2).
Genomic context (GRCh38, chr4:158,697,618, plus strand): 5'-GTTATGGGTTATTGATGAAAAGAACTGGAAACCTGGGAGAGTAGATCACACTGTTGGTTG[G>A]CCCTTGGACAGACATACCTATGGAGGATCTTTCCTCTATCATTTGAATGAAGGTGAACCC-3'

ClinVar aggregate classification (germline): Pathogenic (1 of 4 stars; one submission).

Conditions:
Multiple acyl-CoA dehydrogenase deficiency (MADD). Also called: Glutaric Acidemia type 2; Glutaric aciduria, type 2; ETHYLMALONIC-ADIPICACIDURIA; GA II; Glutaric acidemia type II; GA 2. Identifiers: Orphanet 26791, MedGen C0268596, MONDO:0009282, OMIM 231680.

gnomAD v4.1: 1 of 1,613,154 alleles (0.000062%); highest among the groups gnomAD compares: Non-Finnish European, 0.000085%; no homozygotes.

Submission:

Juno Genomics, Hangzhou Juno Genomics, Inc
Classification: Pathogenic for Multiple acyl-CoA dehydrogenase deficiency. Review status: criteria provided, single submitter. Criteria: ACMG Guidelines, 2015. Collection method: clinical testing. Allele origin: germline. Affected: yes.
Comment: Absent from controls (or at extremely low frequency if recessive) in Genome Aggregation Database, Exome Sequencing Project, 1000 Genomes Project, or Exome Aggregation Consortium.;Null variant in a gene where loss of function (LOF) is a known mechanism of disease.;For recessive disorders, detected in trans with a pathogenic variant.;Patient's phenotype or family history is highly specific for a disease with a single genetic etiology.